The following is an entry in ClinVar:

ClinVar aggregate classification (germline): Uncertain significance (1 of 4 stars; one submission).

Allele frequency attached by ClinVar (database versions not stated): ExAC 0.00001; gnomAD 0.00001; TOPMed 0.00001.
gnomAD v4.1: 28 of 1,613,954 alleles (0.0017%); highest among the groups gnomAD compares: South Asian, 0.0044%; no homozygotes.

Submission:

Labcorp Genetics (formerly Invitae), Labcorp
Classification: Uncertain significance. Last evaluated: 2023-05-20. Review status: criteria provided, single submitter. Criteria: Invitae Variant Classification Sherloc (09022015). Collection method: clinical testing. Allele origin: germline.
Comment: This variant has not been reported in the literature in individuals affected with MICAL1-related conditions. In summary, the available evidence is currently insufficient to determine the role of this variant in disease. Therefore, it has been classified as a Variant of Uncertain Significance. An algorithm developed to predict the effect of missense changes on protein structure and function (PolyPhen-2) suggests that this variant is likely to be disruptive. This variant is present in population databases (rs747910392, gnomAD 0.004%). This sequence change replaces arginine, which is basic and polar, with tryptophan, which is neutral and slightly polar, at codon 930 of the MICAL1 protein (p.Arg930Trp).

NM_022765.4(MICAL1):c.2731C>T (p.Arg911Trp)

Gene: MICAL1 (microtubule associated monooxygenase, calponin and LIM domain containing 1; minus strand). Cytogenetic location: 6q21.
Variant type: single nucleotide variant.
Coding change: c.2731C>T on transcript NM_022765.4 (MANE Select); coding-DNA position 2731, C replaced by T.
Protein change: p.Arg911Trp; replaces arginine 911 with tryptophan.
Molecular consequence: missense variant.
Genome position (GRCh38, 1-based): chr6:109,445,472, G>A on the plus strand (C>T on the coding strand, the complement: MICAL1 is on the minus strand). VCF-style: chr6-109445472-G-A. GRCh37 (hg19) VCF-style: chr6-109766675-G-A.
Other names: c.2473C>T, p.Arg825Trp (NM_001159291.2); c.2788C>T, p.Arg930Trp (NM_001286613.2); short protein forms R825W, R930W, R911W.
Identifiers: ClinVar variation 2972107 (VCV002972107.3), dbSNP rs747910392, ClinGen allele CA3952785.